The following is an entry in ClinVar:

ClinVar aggregate classification (germline): Likely pathogenic (1 of 4 stars; one submission).

Conditions:
Dilated cardiomyopathy 1G (CMD1G). Identifiers: Orphanet 154, MedGen C1858763, MONDO:0011400, OMIM 604145.
Autosomal recessive limb-girdle muscular dystrophy type 2J (LGMDR10). Also called: Limb-girdle muscular dystrophy, type 2J; MUSCULAR DYSTROPHY, LIMB-GIRDLE, AUTOSOMAL RECESSIVE 10. Identifiers: Orphanet 140922, MedGen C1837342, MONDO:0012127, OMIM 608807.

Submission:

Labcorp Genetics (formerly Invitae), Labcorp
Classification: Likely pathogenic for Dilated cardiomyopathy 1G; Autosomal recessive limb-girdle muscular dystrophy type 2J. Last evaluated: 2024-10-18. Review status: criteria provided, single submitter. Criteria: Invitae Variant Classification Sherloc (09022015). Collection method: clinical testing. Allele origin: germline.
Comment: This sequence change creates a premature translational stop signal (p.Ser14806Glnfs*3) in the TTN gene. While this is not anticipated to result in nonsense mediated decay, it is expected to create a truncated TTN protein. This variant is not present in population databases (gnomAD no frequency). This variant has not been observed in the literature in individuals with autosomal recessive TTN-related conditions. This variant has been reported in individual(s) with autosomal dominant dilated cardiomyopathy (internal data); however, the role of the variant in this condition is currently unclear. ClinVar contains an entry for this variant (Variation ID: 1354532). This variant is located in the I band of TTN (PMID: 25589632). Truncating variants in this region have been reported in individuals affected with autosomal recessive centronuclear myopathy (PMID: 23975875, internal data). Truncating variants in this region have also been identified in individuals affected with autosomal dominant dilated cardiomyopathy and/or cardio-related conditions (PMID: 27869827, 32964742, internal data). In summary, the currently available evidence indicates that the variant is pathogenic, but additional data are needed to prove that conclusively. Therefore, this variant has been classified as Likely Pathogenic.

Literature cited by the submitters: PubMed 25589632; PubMed 23975875; PubMed 27869827; PubMed 32964742.

NM_001267550.2(TTN):c.44415dup (p.Ser14806fs)

Gene: TTN (titin; minus strand). Cytogenetic location: 2q31.2.
Variant type: Duplication.
Coding change: c.44415dup on transcript NM_001267550.2 (MANE Select); coding-DNA position 44415, one base duplicated (C; older notation c.44415dupC).
Protein change: p.Ser14806fs; shifts the reading frame from serine 14806.
Molecular consequence: frameshift variant.
Genome position (GRCh38, 1-based): chr2:178,629,310, G duplicated on the plus strand (C on the coding strand, the reverse complement: TTN is on the minus strand); the first of 3 consecutive G bases (chr2:178,629,310-178,629,312); duplicating any one gives the same sequence. VCF-style (leftmost placement, unchanged base first): chr2-178629309-T-TG. GRCh37 (hg19) VCF-style: chr2-179494036-T-TG.
Other names: c.39492dup, p.Ser13165fs (NM_001256850.1); c.17220dup, p.Ser5741fs (NM_003319.4); c.36711dup, p.Ser12238fs (NM_133378.4); c.17595dup, p.Ser5866fs (NM_133432.3); c.17796dup, p.Ser5933fs (NM_133437.4); short protein forms S12238fs, S13165fs, S5933fs, S5741fs, S5866fs, S14806fs.
Identifiers: ClinVar variation 1354532 (VCV001354532.8), dbSNP rs2154219387, ClinGen allele CA2573133764.
Genomic context (GRCh38, chr2:178,629,309, plus strand): 5'-TGGAAGAACTCCAGAAAAAGAACGGGAAAGACAAGGCATGCCTGCTTTTTACCTTATCGC[T>TG]GGGCTCTAGTTTCTTCCCTTTGAGATACCATTCCACTGGGATATCTTCGTAGGAGAGCTC-3'